The following is an entry in ClinVar:

ClinVar aggregate classification (germline): Likely pathogenic. Review status: criteria provided, multiple submitters, no conflicts (2 of 4 stars). 2 submissions from 2 submitters: Likely pathogenic (2). Last evaluated 2023-06-23.

Conditions:
LOXHD1-related disorder. Also called: LOXHD1-related condition.

Submissions (2):

Labcorp Genetics (formerly Invitae), Labcorp
Classification: Likely pathogenic. Last evaluated: 2023-06-23. Review status: criteria provided, single submitter. Criteria: Invitae Variant Classification Sherloc (09022015). Collection method: clinical testing. Allele origin: germline.
Comment: In summary, the currently available evidence indicates that the variant is pathogenic, but additional data are needed to prove that conclusively. Therefore, this variant has been classified as Likely Pathogenic. Algorithms developed to predict the effect of sequence changes on RNA splicing suggest that this variant may disrupt the consensus splice site. ClinVar contains an entry for this variant (Variation ID: 1492318). Disruption of this splice site has been observed in individual(s) with autosomal recessive nonsyndromic deafness (PMID: 29196752). This variant is not present in population databases (gnomAD no frequency). This sequence change affects an acceptor splice site in intron 3 of the LOXHD1 gene. It is expected to disrupt RNA splicing. Variants that disrupt the donor or acceptor splice site typically lead to a loss of protein function (PMID: 16199547), and loss-of-function variants in LOXHD1 are known to be pathogenic (PMID: 19732867, 21465660, 25792669).

Blueprint Genetics
Classification: Likely pathogenic for LOXHD1-related disorders. Last evaluated: 2019-01-11. Review status: criteria provided, single submitter. Criteria: ACMG Guidelines, 2015. Collection method: clinical testing. Allele origin: germline. Affected: yes. Observed: 1 variant allele.

Literature cited by the submitters: PubMed 29196752 (cited by Labcorp Genetics (formerly Invitae), Labcorp); PubMed 16199547 (cited by Labcorp Genetics (formerly Invitae), Labcorp); PubMed 19732867 (cited by Labcorp Genetics (formerly Invitae), Labcorp); PubMed 21465660 (cited by Labcorp Genetics (formerly Invitae), Labcorp); PubMed 25792669 (cited by Labcorp Genetics (formerly Invitae), Labcorp).

NM_001384474.1(LOXHD1):c.327-1G>A

Gene: LOXHD1 (lipoxygenase homology PLAT domains 1; minus strand). Cytogenetic location: 18q21.1.
Variant type: single nucleotide variant.
Coding change: c.327-1G>A on transcript NM_001384474.1 (MANE Select); the canonical splice acceptor site of the intron before coding-DNA position 327, G replaced by A.
Molecular consequence: splice acceptor variant.
Genome position (GRCh38, 1-based): chr18:46,639,801, C>T on the plus strand (G>A on the coding strand, the complement: LOXHD1 is on the minus strand). VCF-style: chr18-46639801-C-T. GRCh37 (hg19) VCF-style: chr18-44219764-C-T.
Other names: c.327-1G>A (NM_144612.7).
Identifiers: ClinVar variation 1492318 (VCV001492318.10), dbSNP rs2144376621, ClinGen allele CA402369990.